The following is an entry in ClinVar:

NM_020435.4(GJC2):c.433G>A (p.Glu145Lys)

Gene: GJC2 (gap junction protein gamma 2; plus strand). Cytogenetic location: 1q42.13.
Variant type: single nucleotide variant.
Coding change: c.433G>A on transcript NM_020435.4 (MANE Select); coding-DNA position 433, G replaced by A.
Protein change: p.Glu145Lys; replaces glutamic acid 145 with lysine.
Molecular consequence: missense variant.
Genome position (GRCh38, 1-based): chr1:228,158,191, G>A. VCF-style: chr1-228158191-G-A. GRCh37 (hg19) VCF-style: chr1-228345892-G-A.
Other names: short protein forms E145K.
Identifiers: ClinVar variation 421105 (VCV000421105.2), dbSNP rs1064794912, ClinGen allele CA16617081.

ClinVar aggregate classification (germline): Likely pathogenic (1 of 4 stars; one submission).

Allele frequency attached by ClinVar (database versions not stated): gnomAD exomes below 0.00001 and 0.00001.

Submission:

GeneDx
Classification: Likely pathogenic. Last evaluated: 2016-05-03. Review status: criteria provided, single submitter. Criteria: GeneDx Variant Classification (06012015). Collection method: clinical testing. Allele origin: germline. Affected: yes.
Comment: The E145K variant in the GJC2 gene has not been reported previously as a pathogenic variant, nor as a benign variant, to our knowledge. This variant was not observed in approximately 4100 individuals of European and African American ancestry in the NHLBI Exome Sequencing Project, indicating it is not a common benign variant in these populations. The E145K variant is a non-conservative amino acid substitution, which is likely to impact secondary protein structure as these residues differ in polarity, charge, size and/or other properties. This substitution occurs at a position that is conserved in mammals. In silico analysis is inconsistent in its predictions as to whether or not the variant is damaging to the protein structure/function. The E145K variant is a strong candidate for a pathogenic variant, however the possibility it may be a rare benign variant cannot be excluded.